The following is an entry in ClinVar:

NM_000448.3(RAG1):c.232C>G (p.Gln78Glu)

Gene: RAG1 (recombination activating 1; plus strand). Cytogenetic location: 11p12.
Variant type: single nucleotide variant.
Coding change: c.232C>G on transcript NM_000448.3 (MANE Select); coding-DNA position 232, C replaced by G.
Protein change: p.Gln78Glu; replaces glutamine 78 with glutamic acid.
Molecular consequence: missense variant.
Genome position (GRCh38, 1-based): chr11:36,573,536, C>G. VCF-style: chr11-36573536-C-G. GRCh37 (hg19) VCF-style: chr11-36595086-C-G.
Other names: c.232C>G, p.Gln78Glu (NM_001377277.1, NM_001377278.1, NM_001377279.1 and 1 more transcripts); short protein forms Q78E.
Identifiers: ClinVar variation 656019 (VCV000656019.7), dbSNP rs759537311, ClinGen allele CA5949930.
Genomic context (GRCh38, chr11:36,573,536, plus strand): 5'-TCTCTGGAGCAATCTCCAGCAGTCCTGGACAAGGCTGATGGTCAGAAGCCAGTCCCAACT[C>G]AGCCATTGTTAAAAGCCCACCCTAAGTTTTCAAAGAAATTTCACGACAACGAGAAAGCAA-3'
Protein context (NP_000439.2, residues 68-88): KADGQKPVPT[Gln78Glu]PLLKAHPKFS

ClinVar aggregate classification (germline): Uncertain significance. Review status: criteria provided, multiple submitters, no conflicts (2 of 4 stars). 2 submissions from 2 submitters: Uncertain significance (2). Last evaluated 2021-08-20.

Conditions:
Severe combined immunodeficiency, autosomal recessive, T cell-negative, B cell-negative, NK cell-positive. Also called: SCID, T CELL-NEGATIVE, B CELL-NEGATIVE, NK CELL-POSITIVE; SCID, AR, T-cell negative, B-cell negative, NK cell-positive; Severe combined immunodeficiency due to complete RAG1/2 deficiency. Identifiers: Orphanet 331206, MedGen C1832322, MONDO:0011086, OMIM 601457.
Combined immunodeficiency with skin granulomas. Identifiers: Orphanet 157949, MedGen C2673536, MONDO:0009306, OMIM 233650.

Allele frequency attached by ClinVar (database versions not stated): ExAC 0.00002; gnomAD exomes below 0.00001 and 0.00001.
gnomAD v4.1: 3 of 1,614,200 alleles (0.00019%); highest among the groups gnomAD compares: Middle Eastern, 0.016%; no homozygotes.

Submissions (2):

Labcorp Genetics (formerly Invitae), Labcorp
Classification: Uncertain significance for Combined immunodeficiency with skin granulomas; Severe combined immunodeficiency, autosomal recessive, T cell-negative, B cell-negative, NK cell-positive. Last evaluated: 2021-08-20. Review status: criteria provided, single submitter. Criteria: Invitae Variant Classification Sherloc (09022015). Collection method: clinical testing. Allele origin: germline.
Comment: This sequence change replaces glutamine with glutamic acid at codon 78 of the RAG1 protein (p.Gln78Glu). The glutamine residue is moderately conserved and there is a small physicochemical difference between glutamine and glutamic acid. This variant is present in population databases (rs759537311, ExAC 0.003%). This variant has not been reported in the literature in individuals affected with RAG1-related conditions. Algorithms developed to predict the effect of missense changes on protein structure and function (SIFT, PolyPhen-2, Align-GVGD) all suggest that this variant is likely to be tolerated. In summary, the available evidence is currently insufficient to determine the role of this variant in disease. Therefore, it has been classified as a Variant of Uncertain Significance.

New York Genome Center
Classification: Uncertain significance for Severe combined immunodeficiency, autosomal recessive, T cell-negative, B cell-negative, NK cell-positive. Last evaluated: 2021-07-23. Review status: criteria provided, single submitter. Criteria: NYGC Assertion Criteria 2020. Collection method: clinical testing. Allele origin: inherited. Observed: 1 heterozygote. Study: CSER-NYCKidSeq.